The following is an entry in ClinVar:

NM_001220.5(CAMK2B):c.1150A>G (p.Ile384Val)

Gene: CAMK2B (calcium/calmodulin dependent protein kinase II beta; minus strand). Cytogenetic location: 7p13.
Variant type: single nucleotide variant.
Coding change: c.1150A>G on transcript NM_001220.5 (MANE Select); coding-DNA position 1150, A replaced by G.
Protein change: p.Ile384Val; replaces isoleucine 384 with valine.
Molecular consequence: missense variant. On other transcripts: intron variant (3).
Genome position (GRCh38, 1-based): chr7:44,232,848, T>C on the plus strand (A>G on the coding strand, the complement: CAMK2B is on the minus strand). VCF-style: chr7-44232848-T-C. GRCh37 (hg19) VCF-style: chr7-44272447-T-C.
Other names: c.1150A>G, p.Ile384Val (NM_001293170.2, NM_172078.3); c.1078A>G, p.Ile360Val (NM_172079.3, NM_172082.3); c.1075A>G, p.Ile359Val (NM_172080.3); c.946+7859A>G (NM_172084.3); c.987+1791A>G (NM_172083.3); c.1059+1542A>G (NM_172081.3); short protein forms I359V, I360V, I384V.
Identifiers: ClinVar variation 2849316 (VCV002849316.3), dbSNP rs1478203275, ClinGen allele CA367376359.

ClinVar aggregate classification (germline): Uncertain significance (1 of 4 stars; one submission).

Allele frequency attached by ClinVar (database versions not stated): gnomAD exomes below 0.00001.
gnomAD v4.1: 1 of 1,613,936 alleles (0.000062%); highest among the groups gnomAD compares: East Asian, 0.0022%; no homozygotes.

Submission:

Labcorp Genetics (formerly Invitae), Labcorp
Classification: Uncertain significance. Last evaluated: 2023-04-03. Review status: criteria provided, single submitter. Criteria: Invitae Variant Classification Sherloc (09022015). Collection method: clinical testing. Allele origin: germline.
Comment: This sequence change replaces isoleucine, which is neutral and non-polar, with valine, which is neutral and non-polar, at codon 384 of the CAMK2B protein (p.Ile384Val). In summary, the available evidence is currently insufficient to determine the role of this variant in disease. Therefore, it has been classified as a Variant of Uncertain Significance. An algorithm developed to predict the effect of missense changes on protein structure and function (PolyPhen-2) suggests that this variant is likely to be tolerated. This variant has not been reported in the literature in individuals affected with CAMK2B-related conditions. This variant is present in population databases (no rsID available, gnomAD 0.006%).